The following is an entry in ClinVar:

NM_000069.3(CACNA1S):c.4864A>T (p.Met1622Leu)

Gene: CACNA1S (calcium voltage-gated channel subunit alpha1 S; minus strand). Cytogenetic location: 1q32.1.
Variant type: single nucleotide variant.
Coding change: c.4864A>T on transcript NM_000069.3 (MANE Select); coding-DNA position 4864, A replaced by T.
Protein change: p.Met1622Leu; replaces methionine 1622 with leucine.
Molecular consequence: missense variant.
Genome position (GRCh38, 1-based): chr1:201,043,465, T>A on the plus strand (A>T on the coding strand, the complement: CACNA1S is on the minus strand). VCF-style: chr1-201043465-T-A. GRCh37 (hg19) VCF-style: chr1-201012593-T-A.
Other names: short protein forms M1622L.
Identifiers: ClinVar variation 3070282 (VCV003070282.1), dbSNP rs768776674, ClinGen allele CA344137332.

ClinVar aggregate classification (germline): Uncertain significance (1 of 4 stars; one submission).

Conditions:
Malignant hyperthermia, susceptibility to, 5 (MHS5). Also called: CACNA1S-Related Malignant Hyperthermia Susceptibility. Identifiers: Orphanet 423, MedGen C1866077, MONDO:0011163, OMIM 601887.

Submission:

All of Us Research Program, National Institutes of Health
Classification: Uncertain significance for Malignant hyperthermia, susceptibility to, 5. Last evaluated: 2023-04-03. Review status: criteria provided, single submitter. Criteria: ACMG Guidelines, 2015. Collection method: clinical testing. Allele origin: germline. Inheritance: Autosomal dominant inheritance. Observed: 1 variant allele, 1 heterozygote.
Comment: This missense variant replaces methionine with leucine at codon 1622 of the CACNA1S protein. Computational prediction suggests that this variant may not impact protein structure and function (internally defined REVEL score threshold <= 0.5, PMID: 27666373). To our knowledge, functional studies have not been reported for this variant. This variant has not been reported in individuals affected with CACNA1S-related disorders in the literature. This variant has not been identified in the general population by the Genome Aggregation Database (gnomAD). The available evidence is insufficient to determine the role of this variant in disease conclusively. Therefore, this variant is classified as a Variant of Uncertain Significance.

This study involves interpretation of variants in research participants for the purpose of population health screening. Participant phenotype was not available at the time of variant classification. Additional details can be found in publication PMID: 35346344, PMCID: PMC8962531